The following is an entry in ClinVar:

ClinVar aggregate classification (germline): Benign/Likely benign. Review status: criteria provided, multiple submitters, no conflicts (2 of 4 stars). 4 submissions from 4 submitters: Benign (1); Likely benign (3). Last evaluated 2026-05-14.

Conditions:
Neurofibromatosis, type 1 (NF1). Also called: VON RECKLINGHAUSEN DISEASE; NEUROFIBROMATOSIS, TYPE I, SOMATIC; Neurofibromatosis, type I; Peripheral type neurofibromatosis. Identifiers: Orphanet 636, MedGen C0027831, MONDO:0018975, OMIM 162200. Disease mechanism: loss of function.
Hereditary cancer-predisposing syndrome. Also called: Hereditary Cancer Syndrome; Neoplastic Syndromes, Hereditary; Hereditary neoplastic syndrome; Tumor predisposition. Identifiers: Orphanet 140162, MedGen C0027672, MeSH D009386, MONDO:0015356.

Allele frequency attached by ClinVar (database versions not stated): gnomAD exomes 0.00001; TOPMed below 0.00001.
gnomAD v4.1: 8 of 1,608,314 alleles (0.0005%); highest among the groups gnomAD compares: Non-Finnish European, 0.0006%; no homozygotes.

Submissions (4):

Myriad Genetics, Inc.
Classification: Benign for Neurofibromatosis, type 1. Last evaluated: 2026-05-14. Review status: criteria provided, single submitter. Criteria: Myriad Autosomal Dominant, Autosomal Recessive and X-Linked Classification Criteria (2023). Collection method: clinical testing. Allele origin: unknown.
Comment: This variant is considered benign. This variant is a silent/synonymous amino acid change and it is not expected to impact splicing.

Labcorp Genetics (formerly Invitae), Labcorp
Classification: Likely benign for Neurofibromatosis, type 1. Last evaluated: 2025-10-31. Review status: criteria provided, single submitter. Criteria: Invitae Variant Classification Sherloc (09022015). Collection method: clinical testing. Allele origin: germline.

Genome-Nilou Lab
Classification: Likely benign for Neurofibromatosis, type 1. Last evaluated: 2022-03-15. Review status: criteria provided, single submitter. Criteria: ACMG Guidelines, 2015. Collection method: clinical testing. Allele origin: germline. Affected: no.

Ambry Genetics
Classification: Likely benign for Hereditary cancer-predisposing syndrome. Last evaluated: 2015-10-29. Review status: criteria provided, single submitter. Criteria: Ambry Autosomal Dominant and X-Linked criteria (10/2015). Collection method: clinical testing. Allele origin: germline. Observed: 1 variant allele.
Comment: Synonymous alterations with insufficient evidence to classify as benign

NM_001042492.3(NF1):c.276A>G (p.Lys92=)

Gene: NF1 (neurofibromin 1; plus strand). Cytogenetic location: 17q11.2.
Variant type: single nucleotide variant.
Coding change: c.276A>G on transcript NM_001042492.3 (MANE Select); coding-DNA position 276, A replaced by G.
Protein change: p.Lys92=; no amino-acid change (lysine 92 retained).
Molecular consequence: synonymous variant.
Genome position (GRCh38, 1-based): chr17:31,159,081, A>G. VCF-style: chr17-31159081-A-G. GRCh37 (hg19) VCF-style: chr17-29486099-A-G.
Other names: c.276A>G, p.Lys92= (NM_000267.4, NM_001128147.3).
Identifiers: ClinVar variation 412989 (VCV000412989.11), dbSNP rs1060503900, ClinGen allele CA16615544.